The following is an entry in ClinVar:

ClinVar aggregate classification (germline): Uncertain significance (1 of 4 stars; one submission).

Submission:

GeneDx
Classification: Uncertain significance. Last evaluated: 2023-03-12. Review status: criteria provided, single submitter. Criteria: GeneDx Variant Classification Process June 2021. Collection method: clinical testing. Allele origin: germline. Affected: yes.
Comment: Not observed at significant frequency in large population cohorts (gnomAD); In silico analysis supports a deleterious effect on protein structure/function; Has not been previously published as pathogenic or benign to our knowledge

NM_004380.3(CREBBP):c.3775_3776delinsTT (p.Gln1259Leu)

Gene: CREBBP (CREB binding protein; minus strand). Cytogenetic location: 16p13.3.
Variant type: Indel.
Coding change: c.3775_3776delinsTT on transcript NM_004380.3 (MANE Select); coding-DNA positions 3775 to 3776, CA replaced by TT.
Protein change: p.Gln1259Leu; replaces glutamine 1259 with leucine.
Molecular consequence: missense variant.
Genome position (GRCh38, 1-based): chr16:3,751,729-3,751,730, TG replaced by AA on the plus strand (CA replaced by TT on the coding strand, the reverse complement: CREBBP is on the minus strand). VCF-style: chr16-3751729-TG-AA. GRCh37 (hg19) VCF-style: chr16-3801730-TG-AA.
Other names: c.3661_3662delinsTT, p.Gln1221Leu (NM_001079846.1); short protein forms Q1221L, Q1259L.
Identifiers: ClinVar variation 2580020 (VCV002580020.1), dbSNP rs2548384519, ClinGen allele CA2580617985.